The following is an entry in ClinVar:

NM_001162501.2(TNRC6B):c.2216A>G (p.Asn739Ser)

Gene: TNRC6B (trinucleotide repeat containing adaptor 6B; plus strand). Cytogenetic location: 22q13.1.
Variant type: single nucleotide variant.
Coding change: c.2216A>G on transcript NM_001162501.2 (MANE Select); coding-DNA position 2216, A replaced by G.
Protein change: p.Asn739Ser; replaces asparagine 739 with serine.
Molecular consequence: missense variant. On other transcripts: intron variant (1).
Genome position (GRCh38, 1-based): chr22:40,266,446, A>G. VCF-style: chr22-40266446-A-G. GRCh37 (hg19) VCF-style: chr22-40662450-A-G.
Other names: c.2216A>G, p.Asn739Ser (NM_015088.3); c.566-3676A>G (NM_001024843.2); short protein forms N739S.
Identifiers: ClinVar variation 2328345 (VCV002328345.2), dbSNP rs2517988080, ClinGen allele CA411634860.
Genomic context (GRCh38, chr22:40,266,446, plus strand): 5'-CTTCCTCTTGGAATGAGAATCCCAGCAAGGATCAGGGGTGGGGAGGTGGACGCCAGCCCA[A>G]TCAAGGATGGTCTTCTGGAAAGAATGGTTGGGGGGAGGAAGTCGATCAGACAAAAAACAG-3'
Protein context (NP_001155973.1, residues 729-749): DQGWGGGRQP[Asn739Ser]QGWSSGKNGW

ClinVar aggregate classification (germline): Uncertain significance (1 of 4 stars; one submission).

Conditions:
Inborn genetic diseases. Identifiers: MedGen C0950123, MeSH D030342.

Allele frequency attached by ClinVar (database versions not stated): gnomAD exomes below 0.00001.
gnomAD v4.1: 5 of 1,613,868 alleles (0.00031%); highest among the groups gnomAD compares: Middle Eastern, 0.033%; no homozygotes.

Submission:

Ambry Genetics
Classification: Uncertain significance for Inborn genetic diseases. Last evaluated: 2022-12-29. Review status: criteria provided, single submitter. Criteria: Ambry Variant Classification Scheme 2023. Collection method: clinical testing. Allele origin: germline.
Comment: The c.2216A>G (p.N739S) alteration is located in exon 5 (coding exon 5) of the TNRC6B gene. This alteration results from an A to G substitution at nucleotide position 2216, causing the asparagine (N) at amino acid position 739 to be replaced by a serine (S). This variant was not reported in population-based cohorts in the Genome Aggregation Database (gnomAD). This amino acid position is not well conserved in available vertebrate species. This alteration is predicted to be tolerated by in silico analysis. Based on insufficient or conflicting evidence, the clinical significance of this alteration remains unclear.